The following is an entry in ClinVar:

NM_138694.4(PKHD1):c.9563C>T (p.Ala3188Val)

Gene: PKHD1 (PKHD1 ciliary IPT domain containing fibrocystin/polyductin; minus strand). Cytogenetic location: 6p12.3.
Variant type: single nucleotide variant.
Coding change: c.9563C>T on transcript NM_138694.4 (MANE Select); coding-DNA position 9563, C replaced by T.
Protein change: p.Ala3188Val; replaces alanine 3188 with valine.
Molecular consequence: missense variant.
Genome position (GRCh38, 1-based): chr6:51,748,053, G>A on the plus strand (C>T on the coding strand, the complement: PKHD1 is on the minus strand). VCF-style: chr6-51748053-G-A. GRCh37 (hg19) VCF-style: chr6-51612851-G-A.
Other names: c.9563C>T, p.Ala3188Val (NM_170724.3); short protein forms A3188V.
Identifiers: ClinVar variation 4801351 (VCV004801351.1).

ClinVar aggregate classification (germline): Uncertain significance (1 of 4 stars; one submission).

Conditions:
Autosomal recessive polycystic kidney disease (ARPKD). Also called: AR polycystic kidney disease. Identifiers: Orphanet 731, Orphanet 8378, MedGen C0085548, MeSH D017044, MONDO:0009889.

gnomAD v4.1: 2 of 1,613,956 alleles (0.00012%); highest among the groups gnomAD compares: East Asian, 0.0022%; no homozygotes.

Submission:

Labcorp Genetics (formerly Invitae), Labcorp
Classification: Uncertain significance for Autosomal recessive polycystic kidney disease. Last evaluated: 2025-03-18. Review status: criteria provided, single submitter. Criteria: Invitae Variant Classification Sherloc (09022015). Collection method: clinical testing. Allele origin: germline.
Comment: This sequence change replaces alanine, which is neutral and non-polar, with valine, which is neutral and non-polar, at codon 3188 of the PKHD1 protein (p.Ala3188Val). This variant is present in population databases (rs764109644, gnomAD 0.006%). This variant has not been reported in the literature in individuals affected with PKHD1-related conditions. Invitae Evidence Modeling of protein sequence and biophysical properties (such as structural, functional, and spatial information, amino acid conservation, physicochemical variation, residue mobility, and thermodynamic stability) indicates that this missense variant is not expected to disrupt PKHD1 protein function with a negative predictive value of 95%. In summary, the available evidence is currently insufficient to determine the role of this variant in disease. Therefore, it has been classified as a Variant of Uncertain Significance.